The following is an entry in ClinVar:

NM_001171155.2(PET100):c.-19G>C

Genes: PET100 (PET100 cytochrome c oxidase chaperone; plus strand), STXBP2 (syntaxin binding protein 2; plus strand). Cytogenetic location: 19p13.2.
Variant type: single nucleotide variant.
Coding change: c.-19G>C on transcript NM_001171155.2 (MANE Select); 19 bases upstream of the start codon, G replaced by C.
Molecular consequence: 5 prime UTR variant. On other transcripts: non-coding transcript variant (1).
Genome position (GRCh38, 1-based): chr19:7,629,815, G>C. VCF-style: chr19-7629815-G-C. GRCh37 (hg19) VCF-style: chr19-7694701-G-C.
Identifiers: ClinVar variation 387071 (VCV000387071.1), dbSNP rs1057522682, ClinGen allele CA16608319.

ClinVar aggregate classification (germline): Likely benign (1 of 4 stars; one submission).

Allele frequency attached by ClinVar (database versions not stated): gnomAD exomes 0.00001.
gnomAD v4.1: 3 of 1,536,996 alleles (0.0002%); highest among the groups gnomAD compares: Non-Finnish European, 0.00026%; no homozygotes.

Submission:

GeneDx
Classification: Likely benign. Last evaluated: 2016-07-01. Review status: criteria provided, single submitter. Criteria: GeneDx Variant Classification (06012015). Collection method: clinical testing. Allele origin: germline. Affected: yes.
Comment: This variant is considered likely benign or benign based on one or more of the following criteria: it is a conservative change, it occurs at a poorly conserved position in the protein, it is predicted to be benign by multiple in silico algorithms, and/or has population frequency not consistent with disease.